The following is an entry in ClinVar:

ClinVar aggregate classification (germline): Uncertain significance (1 of 4 stars; one submission).

Conditions:
Myofibrillar myopathy 5. Also called: Filaminopathy (type); FILAMINOPATHY, AUTOSOMAL DOMINANT. Identifiers: Orphanet 171445, MedGen C1836050, MONDO:0012289, OMIM 609524.
Distal myopathy with posterior leg and anterior hand involvement. Also called: WILLIAMS DISTAL MYOPATHY. Identifiers: Orphanet 63273, MedGen C3279722, MONDO:0013550, OMIM 614065.
Hypertrophic cardiomyopathy 26. Also called: Cardiomyopathy, familial hypertrophic, 26. Identifiers: Orphanet 75249, MedGen C4310749, MONDO:0014883, OMIM 617047.

Allele frequency attached by ClinVar (database versions not stated): gnomAD exomes below 0.00001.
gnomAD v4.1: 1 of 1,611,920 alleles (0.000062%); highest among the groups gnomAD compares: Non-Finnish European, 0.000085%; no homozygotes.

Submission:

Labcorp Genetics (formerly Invitae), Labcorp
Classification: Uncertain significance for Distal myopathy with posterior leg and anterior hand involvement; Myofibrillar myopathy 5; Hypertrophic cardiomyopathy 26. Last evaluated: 2022-06-14. Review status: criteria provided, single submitter. Criteria: Invitae Variant Classification Sherloc (09022015). Collection method: clinical testing. Allele origin: germline.
Comment: In summary, the available evidence is currently insufficient to determine the role of this variant in disease. Therefore, it has been classified as a Variant of Uncertain Significance. Algorithms developed to predict the effect of missense changes on protein structure and function are either unavailable or do not agree on the potential impact of this missense change (SIFT: "Deleterious"; PolyPhen-2: "Benign"; Align-GVGD: "Class C0"). This sequence change replaces valine, which is neutral and non-polar, with alanine, which is neutral and non-polar, at codon 2221 of the FLNC protein (p.Val2221Ala). This variant is not present in population databases (gnomAD no frequency). This variant has not been reported in the literature in individuals affected with FLNC-related conditions. ClinVar contains an entry for this variant (Variation ID: 1062505).

NM_001458.5(FLNC):c.6662T>C (p.Val2221Ala)

Genes: FLNC (filamin C; plus strand), FLNC-AS1 (FLNC antisense RNA 1; minus strand). Cytogenetic location: 7q32.1.
Variant type: single nucleotide variant.
Coding change: c.6662T>C on transcript NM_001458.5 (MANE Select); coding-DNA position 6662, T replaced by C.
Protein change: p.Val2221Ala; replaces valine 2221 with alanine.
Molecular consequence: missense variant.
Genome position (GRCh38, 1-based): chr7:128,854,151, T>C. VCF-style: chr7-128854151-T-C. GRCh37 (hg19) VCF-style: chr7-128494205-T-C.
Other names: c.6563T>C, p.Val2188Ala (NM_001127487.2); short protein forms V2188A, V2221A.
Identifiers: ClinVar variation 1062505 (VCV001062505.9), dbSNP rs2128939339, ClinGen allele CA369213044.